The following is an entry in ClinVar:

ClinVar aggregate classification (germline): Uncertain significance (1 of 4 stars; one submission).

Submission:

Labcorp Genetics (formerly Invitae), Labcorp
Classification: Uncertain significance. Last evaluated: 2022-08-31. Review status: criteria provided, single submitter. Criteria: Invitae Variant Classification Sherloc (09022015). Collection method: clinical testing. Allele origin: germline.
Comment: In summary, the available evidence is currently insufficient to determine the role of this variant in disease. Therefore, it has been classified as a Variant of Uncertain Significance. Algorithms developed to predict the effect of missense changes on protein structure and function are either unavailable or do not agree on the potential impact of this missense change (SIFT: "Deleterious"; PolyPhen-2: "Not Available"; Align-GVGD: "Class C0"). ClinVar contains an entry for this variant (Variation ID: 1441382). This variant has not been reported in the literature in individuals affected with PCLO-related conditions. This variant is not present in population databases (gnomAD no frequency). This sequence change replaces aspartic acid, which is acidic and polar, with tyrosine, which is neutral and polar, at codon 2195 of the PCLO protein (p.Asp2195Tyr).

NM_033026.6(PCLO):c.6583G>T (p.Asp2195Tyr)

Gene: PCLO (piccolo presynaptic cytomatrix protein; minus strand). Cytogenetic location: 7q21.11.
Variant type: single nucleotide variant.
Coding change: c.6583G>T on transcript NM_033026.6 (MANE Select); coding-DNA position 6583, G replaced by T.
Protein change: p.Asp2195Tyr; replaces aspartic acid 2195 with tyrosine.
Molecular consequence: missense variant.
Genome position (GRCh38, 1-based): chr7:82,954,370, C>A on the plus strand (G>T on the coding strand, the complement: PCLO is on the minus strand). VCF-style: chr7-82954370-C-A. GRCh37 (hg19) VCF-style: chr7-82583686-C-A.
Other names: c.6583G>T, p.Asp2195Tyr (NM_014510.3); short protein forms D2195Y.
Identifiers: ClinVar variation 1441382 (VCV001441382.6), dbSNP rs2116445667, ClinGen allele CA367918960.